The following is an entry in ClinVar:

NM_000342.4(SLC4A1):c.1343G>A (p.Gly448Asp)

Gene: SLC4A1 (solute carrier family 4 member 1 (Diego blood group); minus strand). Cytogenetic location: 17q21.31.
Variant type: single nucleotide variant.
Coding change: c.1343G>A on transcript NM_000342.4 (MANE Select); coding-DNA position 1343, G replaced by A.
Protein change: p.Gly448Asp; replaces glycine 448 with aspartic acid.
Molecular consequence: missense variant.
Genome position (GRCh38, 1-based): chr17:44,257,747, C>T on the plus strand (G>A on the coding strand, the complement: SLC4A1 is on the minus strand). VCF-style: chr17-44257747-C-T. GRCh37 (hg19) VCF-style: chr17-42335115-C-T.
Other names: short protein forms G448D.
Identifiers: ClinVar variation 1964426 (VCV001964426.5), dbSNP rs2509966112, ClinGen allele CA399787535.

ClinVar aggregate classification (germline): Uncertain significance (1 of 4 stars; one submission).

Submission:

Labcorp Genetics (formerly Invitae), Labcorp
Classification: Uncertain significance. Last evaluated: 2022-11-01. Review status: criteria provided, single submitter. Criteria: Invitae Variant Classification Sherloc (09022015). Collection method: clinical testing. Allele origin: germline.
Comment: Advanced modeling of protein sequence and biophysical properties (such as structural, functional, and spatial information, amino acid conservation, physicochemical variation, residue mobility, and thermodynamic stability) performed at Invitae indicates that this missense variant is not expected to disrupt SLC4A1 protein function. In summary, the available evidence is currently insufficient to determine the role of this variant in disease. Therefore, it has been classified as a Variant of Uncertain Significance. This variant has not been reported in the literature in individuals affected with SLC4A1-related conditions. This variant is not present in population databases (gnomAD no frequency). This sequence change replaces glycine, which is neutral and non-polar, with aspartic acid, which is acidic and polar, at codon 448 of the SLC4A1 protein (p.Gly448Asp).